The following is an entry in ClinVar:

ClinVar aggregate classification (germline): Benign/Likely benign. Review status: criteria provided, multiple submitters, no conflicts (2 of 4 stars). 3 submissions from 3 submitters: Benign (1); Likely benign (2). Last evaluated 2025-10-13.

Conditions:
Hereditary nonpolyposis colorectal neoplasms. Identifiers: MedGen C0009405, MeSH D003123.
Hereditary cancer-predisposing syndrome. Also called: Tumor predisposition; Hereditary Cancer Syndrome; Neoplastic Syndromes, Hereditary; Hereditary neoplastic syndrome. Identifiers: Orphanet 140162, MedGen C0027672, MeSH D009386, MONDO:0015356.
Lynch syndrome 5 (LYNCH5). Also called: Colorectal cancer, hereditary nonpolyposis, type 5; Hereditary non-polyposis colorectal cancer, type 5. Identifiers: Orphanet 144, MedGen C1833477, MONDO:0013710, OMIM 614350. Disease mechanism: loss of function.

Allele frequency attached by ClinVar (database versions not stated): gnomAD 0.00001; TOPMed 0.00001.
gnomAD v4.1: 2 of 1,613,940 alleles (0.00012%); highest among the groups gnomAD compares: African/African-American, 0.0013%; no homozygotes.

Submissions (3):

Labcorp Genetics (formerly Invitae), Labcorp
Classification: Likely benign for Hereditary nonpolyposis colorectal neoplasms. Last evaluated: 2025-10-13. Review status: criteria provided, single submitter. Criteria: Invitae Variant Classification Sherloc (09022015). Collection method: clinical testing. Allele origin: germline.

Myriad Genetics, Inc.
Classification: Benign for Lynch syndrome 5. Last evaluated: 2025-01-06. Review status: criteria provided, single submitter. Criteria: Myriad Autosomal Dominant, Autosomal Recessive and X-Linked Classification Criteria (2023). Collection method: clinical testing. Allele origin: unknown.
Comment: This variant is considered benign. This variant is a silent/synonymous amino acid change and it is not expected to impact splicing.

Ambry Genetics
Classification: Likely benign for Hereditary cancer-predisposing syndrome. Last evaluated: 2018-11-22. Review status: criteria provided, single submitter. Criteria: Ambry Variant Classification Scheme 2023. Collection method: clinical testing. Allele origin: germline.

NM_000179.3(MSH6):c.3267A>G (p.Leu1089=)

Gene: MSH6 (mutS homolog 6; plus strand). Cytogenetic location: 2p16.3.
Variant type: single nucleotide variant.
Coding change: c.3267A>G on transcript NM_000179.3 (MANE Select); coding-DNA position 3267, A replaced by G.
Protein change: p.Leu1089=; no amino-acid change (leucine 1089 retained).
Molecular consequence: synonymous variant.
Genome position (GRCh38, 1-based): chr2:47,803,514, A>G. VCF-style: chr2-47803514-A-G. GRCh37 (hg19) VCF-style: chr2-48030653-A-G.
Other names: c.2877A>G, p.Leu959= (NM_001281492.2); c.2361A>G, p.Leu787= (NM_001281493.2, NM_001281494.2).
Identifiers: ClinVar variation 823352 (VCV000823352.13), dbSNP rs1303047277, ClinGen allele CA426121873.